The following is an entry in ClinVar:

ClinVar aggregate classification (germline): Uncertain significance (1 of 4 stars; one submission).

Submission:

Labcorp Genetics (formerly Invitae), Labcorp
Classification: Uncertain significance. Last evaluated: 2024-04-25. Review status: criteria provided, single submitter. Criteria: Invitae Variant Classification Sherloc (09022015). Collection method: clinical testing. Allele origin: germline.
Comment: This sequence change replaces aspartic acid, which is acidic and polar, with asparagine, which is neutral and polar, at codon 314 of the ELOVL4 protein (p.Asp314Asn). This variant is not present in population databases (gnomAD no frequency). This variant has not been reported in the literature in individuals affected with ELOVL4-related conditions. Experimental studies and prediction algorithms are not available or were not evaluated, and the functional significance of this variant is currently unknown. In summary, the available evidence is currently insufficient to determine the role of this variant in disease. Therefore, it has been classified as a Variant of Uncertain Significance.

NM_022726.4(ELOVL4):c.940G>A (p.Asp314Asn)

Gene: ELOVL4 (ELOVL fatty acid elongase 4; minus strand). Cytogenetic location: 6q14.1.
Variant type: single nucleotide variant.
Coding change: c.940G>A on transcript NM_022726.4 (MANE Select); coding-DNA position 940, G replaced by A.
Protein change: p.Asp314Asn; replaces aspartic acid 314 with asparagine.
Molecular consequence: missense variant.
Genome position (GRCh38, 1-based): chr6:79,916,613, C>T on the plus strand (G>A on the coding strand, the complement: ELOVL4 is on the minus strand). VCF-style: chr6-79916613-C-T. GRCh37 (hg19) VCF-style: chr6-80626330-C-T.
Other names: short protein forms D314N.
Identifiers: ClinVar variation 3651145 (VCV003651145.2).